The following is an entry in ClinVar:

NM_017612.5(ZCCHC8):c.1345+5G>A

Gene: ZCCHC8 (zinc finger CCHC-type containing 8; minus strand). Cytogenetic location: 12q24.31.
Variant type: single nucleotide variant.
Coding change: c.1345+5G>A on transcript NM_017612.5 (MANE Select); 5 bases into the intron after coding-DNA position 1345, G replaced by A.
Molecular consequence: intron variant.
Genome position (GRCh38, 1-based): chr12:122,477,836, C>T on the plus strand (G>A on the coding strand, the complement: ZCCHC8 is on the minus strand). VCF-style: chr12-122477836-C-T. GRCh37 (hg19) VCF-style: chr12-122962383-C-T.
Other names: c.631+5G>A (NM_001350938.2, NM_001350937.2); c.1114+5G>A (NM_001350935.2); c.1048+5G>A (NM_001350936.2).
Identifiers: ClinVar variation 786612 (VCV000786612.14), dbSNP rs116783031, ClinGen allele CA6846212.

ClinVar aggregate classification (germline): Benign/Likely benign. Review status: criteria provided, multiple submitters, no conflicts (2 of 4 stars). 3 submissions from 3 submitters: Benign (2); Likely benign (1). Last evaluated 2026-02-02.

Conditions:
Pulmonary fibrosis and/or bone marrow failure, telomere-related, 5. Identifiers: MedGen C5231457, MONDO:0032865, OMIM 618674.

Allele frequency attached by ClinVar (database versions not stated): gnomAD exomes 0.00224; ExAC 0.00265; 1000 Genomes Project 0.00779; ESP Exome Variant Server 0.00841; gnomAD 0.00928 and 0.01008; 1000 Genomes Project 30x 0.00968; TOPMed 0.01057.
gnomAD v4.1: 2,739 of 1,582,452 alleles (0.17%); highest among the groups gnomAD compares: African/African-American, 3.3%; 43 homozygotes.

Submissions (9):

Labcorp Genetics (formerly Invitae), Labcorp
Classification: Benign. Last evaluated: 2026-02-02. Review status: criteria provided, single submitter. Criteria: Invitae Variant Classification Sherloc (09022015). Collection method: clinical testing. Allele origin: germline.

Mayo Clinic Laboratories, Mayo Clinic
Classification: Benign. Last evaluated: 2025-09-19. Review status: criteria provided, single submitter. Criteria: ACMG Guidelines, 2015. Collection method: clinical testing. Allele origin: germline. Observed: 1 variant allele.
Comment: BS1, BS2, BP4, BP7

Fulgent Genetics
Classification: Likely benign for Pulmonary fibrosis and/or bone marrow failure, telomere-related, 5. Last evaluated: 2022-02-15. Review status: criteria provided, single submitter. Criteria: ACMG Guidelines, 2015. Collection method: clinical testing. Allele origin: unknown.

Dr. Peter K. Rogan Lab, Western University
No classification provided (evidence only). Condition: Familial cancer of breast. Review status: no classification provided. Collection method: in vitro. Allele origin: not applicable. Functional consequence: retained intron. Not counted in ClinVar's aggregate classification.

Dr. Peter K. Rogan Lab, Western University
No classification provided (evidence only). Condition: Colon adenocarcinoma. Review status: no classification provided. Collection method: in vitro. Allele origin: not applicable. Functional consequence: retained intron. Not counted in ClinVar's aggregate classification.

Dr. Peter K. Rogan Lab, Western University
No classification provided (evidence only). Condition: Uterine corpus endometrial carcinoma. Review status: no classification provided. Collection method: in vitro. Allele origin: not applicable. Functional consequence: retained intron. Not counted in ClinVar's aggregate classification.

Dr. Peter K. Rogan Lab, Western University
No classification provided (evidence only). Condition: Uterine corpus endometrial carcinoma. Review status: no classification provided. Collection method: in vitro. Allele origin: not applicable. Functional consequence: retained intron. Not counted in ClinVar's aggregate classification.

Dr. Peter K. Rogan Lab, Western University
No classification provided (evidence only). Condition: Uterine corpus endometrial carcinoma. Review status: no classification provided. Collection method: in vitro. Allele origin: not applicable. Functional consequence: retained intron. Not counted in ClinVar's aggregate classification.

Dr. Peter K. Rogan Lab, Western University
No classification provided (evidence only). Condition: Sarcoma. Review status: no classification provided. Collection method: in vitro. Allele origin: not applicable. Functional consequence: skipped exon. Not counted in ClinVar's aggregate classification.